The following is an entry in ClinVar:

NM_001077350.3(NPRL3):c.1078del (p.Asp360fs)

Genes: HBA-LCR (alpha-globin locus control region; plus strand), NPRL3 (NPR3 like, GATOR1 complex subunit; minus strand). Cytogenetic location: 16p13.3.
Variant type: Deletion.
Coding change: c.1078del on transcript NM_001077350.3 (MANE Select); coding-DNA position 1078, one base deleted (G; older notation c.1078delG).
Protein change: p.Asp360fs; shifts the reading frame from aspartic acid 360.
Molecular consequence: frameshift variant.
Genome position (GRCh38, 1-based): chr16:92,679, C deleted on the plus strand (G on the coding strand, the reverse complement: NPRL3 is on the minus strand). VCF-style (leftmost placement, unchanged base first): chr16-92678-TC-T. GRCh37 (hg19) VCF-style: chr16-142676-TC-T.
Other names: c.541del, p.Asp181fs (NM_001039476.3); c.844del, p.Asp282fs (NM_001243247.2); c.1003del, p.Asp335fs (NM_001243248.2, NM_001243249.2); short protein forms D181fs, D335fs, D360fs, D282fs.
Identifiers: ClinVar variation 2032953 (VCV002032953.4), dbSNP rs2542810934, ClinGen allele CA2580092055.

ClinVar aggregate classification (germline): Pathogenic (1 of 4 stars; one submission).

Conditions:
Epilepsy, familial focal, with variable foci 3 (FFEVF3). Identifiers: MedGen C4310708, MONDO:0014925, OMIM 617118.

Submission:

Labcorp Genetics (formerly Invitae), Labcorp
Classification: Pathogenic for Epilepsy, familial focal, with variable foci 3. Last evaluated: 2023-02-18. Review status: criteria provided, single submitter. Criteria: Invitae Variant Classification Sherloc (09022015). Collection method: clinical testing. Allele origin: germline.
Comment: This sequence change creates a premature translational stop signal (p.Asp360Thrfs*53) in the NPRL3 gene. It is expected to result in an absent or disrupted protein product. Loss-of-function variants in NPRL3 are known to be pathogenic (PMID: 26285051, 26505888). This variant is not present in population databases (gnomAD no frequency). This variant has not been reported in the literature in individuals affected with NPRL3-related conditions. For these reasons, this variant has been classified as Pathogenic.

Literature cited by the submitters: PubMed 26285051; PubMed 26505888.